The following is an entry in ClinVar:

ClinVar aggregate classification (germline): Uncertain significance (1 of 4 stars; one submission).

Conditions:
Sulfite oxidase deficiency due to molybdenum cofactor deficiency type A. Also called: Molybdenum cofactor deficiency, complementation group A; Molybdenum Cofactor Deficiency A. Identifiers: Orphanet 308386, Orphanet 833, MedGen C1854988, MONDO:0009643, OMIM 252150.

Submission:

Labcorp Genetics (formerly Invitae), Labcorp
Classification: Uncertain significance for Sulfite oxidase deficiency due to molybdenum cofactor deficiency type A. Last evaluated: 2022-06-13. Review status: criteria provided, single submitter. Criteria: Invitae Variant Classification Sherloc (09022015). Collection method: clinical testing. Allele origin: germline.
Comment: In summary, the available evidence is currently insufficient to determine the role of this variant in disease. Therefore, it has been classified as a Variant of Uncertain Significance. Algorithms developed to predict the effect of missense changes on protein structure and function are either unavailable or do not agree on the potential impact of this missense change (SIFT: "Not Available"; PolyPhen-2: "Benign"; Align-GVGD: "Not Available"). This variant has not been reported in the literature in individuals affected with MOCS1-related conditions. This variant is not present in population databases (gnomAD no frequency). This sequence change replaces alanine, which is neutral and non-polar, with valine, which is neutral and non-polar, at codon 597 of the MOCS1 protein (p.Ala597Val).

NM_001358530.2(MOCS1):c.1790C>T (p.Ala597Val)

Gene: MOCS1 (molybdenum cofactor synthesis 1; minus strand). Cytogenetic location: 6p21.2.
Variant type: single nucleotide variant.
Coding change: c.1790C>T on transcript NM_001358530.2 (MANE Select); coding-DNA position 1790, C replaced by T.
Protein change: p.Ala597Val; replaces alanine 597 with valine.
Molecular consequence: missense variant. On other transcripts: 3 prime UTR variant (4), non-coding transcript variant (1).
Genome position (GRCh38, 1-based): chr6:39,906,478, G>A on the plus strand (C>T on the coding strand, the complement: MOCS1 is on the minus strand). VCF-style: chr6-39906478-G-A. GRCh37 (hg19) VCF-style: chr6-39874254-G-A.
Other names: c.*647C>T (NM_001075098.4, NM_001358533.2, NM_001358534.2 and 1 more transcripts); c.1742C>T, p.Ala581Val (NM_001358529.2); c.1529C>T, p.Ala510Val (NM_001358531.2); short protein forms A510V, A597V, A581V.
Identifiers: ClinVar variation 2003822 (VCV002003822.4), dbSNP rs2482250805, ClinGen allele CA364038910.